The following is an entry in ClinVar:

NM_000384.3(APOB):c.6231G>A (p.Leu2077=)

Gene: APOB (apolipoprotein B; minus strand). Cytogenetic location: 2p24.1.
Variant type: single nucleotide variant.
Coding change: c.6231G>A on transcript NM_000384.3 (MANE Select); coding-DNA position 6231, G replaced by A.
Protein change: p.Leu2077=; no amino-acid change (leucine 2077 retained).
Molecular consequence: synonymous variant.
Genome position (GRCh38, 1-based): chr2:21,010,637, C>T on the plus strand (G>A on the coding strand, the complement: APOB is on the minus strand). VCF-style: chr2-21010637-C-T. GRCh37 (hg19) VCF-style: chr2-21233509-C-T.
Other names: c.6231G>A (NM_000384.2).
Identifiers: ClinVar variation 2148329 (VCV002148329.8), dbSNP rs769417863, ClinGen allele CA063010.

ClinVar aggregate classification (germline): Likely benign. Review status: criteria provided, multiple submitters, no conflicts (2 of 4 stars). 4 submissions from 4 submitters: Likely benign (3). 1 of the submissions does not count toward it. Last evaluated 2025-06-30.

Conditions:
APOB-related disorder. Also called: APOB-related condition; APOB-related disorders.
Familial hypobetalipoproteinemia 1. Also called: APOB-Related Familial Hypobetalipoproteinemia; Hypobetalipoproteinemia, normotriglyceridemic; Acanthocytosis with hypobetalipoproteinemia. Identifiers: MedGen C4551990, MONDO:0014252, OMIM 615558.
Hypercholesterolemia, autosomal dominant, type B (FHCL2). Also called: Familial Hypercholesterolemia Type B; HYPERCHOLESTEROLEMIA, FAMILIAL, DUE TO LIGAND-DEFECTIVE APOLIPOPROTEIN B; APOLIPOPROTEIN B-100, FAMILIAL DEFECTIVE; APOLIPOPROTEIN B-100, FAMILIAL LIGAND-DEFECTIVE; Hyperlipoproteinemia Type IIb; Familial hypercholesterolemia 2. Identifiers: MedGen C1704417, MONDO:0007751, OMIM 144010.
Cardiovascular phenotype. Identifiers: MedGen CN230736.

Allele frequency attached by ClinVar (database versions not stated): gnomAD exomes 0.00001; ExAC 0.00002.
gnomAD v4.1: 20 of 1,613,994 alleles (0.0012%); highest among the groups gnomAD compares: South Asian, 0.022%; no homozygotes.

Submissions (4):

Labcorp Genetics (formerly Invitae), Labcorp
Classification: Likely benign for Familial hypobetalipoproteinemia 1; Hypercholesterolemia, autosomal dominant, type B. Last evaluated: 2025-06-30. Review status: criteria provided, single submitter. Criteria: Invitae Variant Classification Sherloc (09022015). Collection method: clinical testing. Allele origin: germline.

Ambry Genetics
Classification: Likely benign for Cardiovascular phenotype. Last evaluated: 2025-04-02. Review status: criteria provided, single submitter. Criteria: Ambry Variant Classification Scheme 2023. Collection method: clinical testing. Allele origin: germline.

Blueprint Genetics
Classification: Likely benign. Last evaluated: 2023-05-19. Review status: criteria provided, single submitter. Criteria: ACMG Guidelines, 2015. Collection method: clinical testing. Allele origin: germline.

PreventionGenetics, part of Exact Sciences
Classification: Likely benign for APOB-related condition. Last evaluated: 2020-07-02. Review status: no assertion criteria provided. Collection method: clinical testing. Allele origin: germline. Not counted in ClinVar's aggregate classification.
Comment: This variant is classified as likely benign based on ACMG/AMP sequence variant interpretation guidelines (Richards et al. 2015 PMID: 25741868, with internal and published modifications).